The following is an entry in ClinVar:

NM_001377.3(DYNC2H1):c.5527A>T (p.Arg1843Ter)

Gene: DYNC2H1 (dynein cytoplasmic 2 heavy chain 1; plus strand). Cytogenetic location: 11q22.3.
Variant type: single nucleotide variant.
Coding change: c.5527A>T on transcript NM_001377.3 (MANE Select); coding-DNA position 5527, A replaced by T.
Protein change: p.Arg1843Ter; replaces arginine 1843 with a stop codon.
Molecular consequence: nonsense.
Genome position (GRCh38, 1-based): chr11:103,173,274, A>T. VCF-style: chr11-103173274-A-T. GRCh37 (hg19) VCF-style: chr11-103044003-A-T.
Other names: c.5527A>T, p.Arg1843Ter (NM_001080463.2); short protein forms R1843*.
Identifiers: ClinVar variation 2709590 (VCV002709590.3), dbSNP rs2497153382, ClinGen allele CA382243193.

ClinVar aggregate classification (germline): Pathogenic (1 of 4 stars; one submission).

Conditions:
Jeune thoracic dystrophy. Also called: Jeune syndrome; Infantile thoracic dystrophy; Thoracic pelvic phalangeal dystrophy; Jeune's syndrome; Chondroectodermal dysplasia-like syndrome; Short-rib thoracic dysplasia. Identifiers: Orphanet 474, MedGen C0265275, MONDO:0018770.

Submission:

Labcorp Genetics (formerly Invitae), Labcorp
Classification: Pathogenic for Jeune thoracic dystrophy. Last evaluated: 2024-01-16. Review status: criteria provided, single submitter. Criteria: Invitae Variant Classification Sherloc (09022015). Collection method: clinical testing. Allele origin: germline.
Comment: This sequence change creates a premature translational stop signal (p.Arg1843*) in the DYNC2H1 gene. It is expected to result in an absent or disrupted protein product. Loss-of-function variants in DYNC2H1 are known to be pathogenic (PMID: 23339108, 32753734, 33755199). This variant is not present in population databases (gnomAD no frequency). This variant has not been reported in the literature in individuals affected with DYNC2H1-related conditions. For these reasons, this variant has been classified as Pathogenic.

Literature cited by the submitters: PubMed 23339108; PubMed 32753734; PubMed 33755199.